The following is an entry in ClinVar:

ClinVar aggregate classification (germline): Uncertain significance (1 of 4 stars; one submission).

Allele frequency attached by ClinVar (database versions not stated): gnomAD exomes below 0.00001; TOPMed below 0.00001; ExAC 0.00001; gnomAD 0.00001.
gnomAD v4.1: 2 of 1,614,038 alleles (0.00012%); highest among the groups gnomAD compares: African/African-American, 0.0027%; no homozygotes.

Submission:

GeneDx
Classification: Uncertain significance. Last evaluated: 2023-01-03. Review status: criteria provided, single submitter. Criteria: GeneDx Variant Classification Process June 2021. Collection method: clinical testing. Allele origin: germline. Affected: yes.
Comment: Not observed at significant frequency in large population cohorts (gnomAD); In silico analysis supports that this missense variant has a deleterious effect on protein structure/function; Has not been previously published as pathogenic or benign to our knowledge

NM_004667.6(HERC2):c.11992T>C (p.Phe3998Leu)

Gene: HERC2 (HECT and RLD domain containing E3 ubiquitin protein ligase 2; minus strand). Cytogenetic location: 15q13.1.
Variant type: single nucleotide variant.
Coding change: c.11992T>C on transcript NM_004667.6 (MANE Select); coding-DNA position 11992, T replaced by C.
Protein change: p.Phe3998Leu; replaces phenylalanine 3998 with leucine.
Molecular consequence: missense variant.
Genome position (GRCh38, 1-based): chr15:28,141,455, A>G on the plus strand (T>C on the coding strand, the complement: HERC2 is on the minus strand). VCF-style: chr15-28141455-A-G. GRCh37 (hg19) VCF-style: chr15-28386601-A-G.
Other names: short protein forms F3998L.
Identifiers: ClinVar variation 2507043 (VCV002507043.1), dbSNP rs769969582, ClinGen allele CA7440421.